The following is an entry in ClinVar:

ClinVar aggregate classification (germline): Uncertain significance (1 of 4 stars; one submission).

Conditions:
TGM6-related disorder. Also called: TGM6-related condition.

Allele frequency attached by ClinVar (database versions not stated): gnomAD exomes below 0.00001; gnomAD 0.00001; TOPMed 0.00002.

Submission:

PreventionGenetics, part of Exact Sciences
Classification: Uncertain significance for TGM6-related condition. Last evaluated: 2023-06-23. Review status: criteria provided, single submitter. Criteria: ACMG Guidelines, 2015. Collection method: clinical testing. Allele origin: germline.
Comment: The TGM6 c.1399_1400insTA variant is predicted to result in a frameshift and premature protein termination (p.Ser467Leufs*37). To our knowledge, this variant has not been reported in the literature or in a large population database, indicating this variant is rare. Although we suspect that this variant may be pathogenic, at this time, the clinical significance of this variant is uncertain due to the absence of conclusive functional and genetic evidence.

NM_198994.3(TGM6):c.1399_1400insTA (p.Ser467fs)

Gene: TGM6 (transglutaminase 6; plus strand). Cytogenetic location: 20p13.
Variant type: Insertion.
Coding change: c.1399_1400insTA on transcript NM_198994.3 (MANE Select); coding-DNA positions 1399 to 1400, TA inserted.
Protein change: p.Ser467fs; shifts the reading frame from serine 467.
Molecular consequence: frameshift variant.
Genome position: GRCh38 VCF-style: chr20-2417294-T-TTA. GRCh37 (hg19) VCF-style: chr20-2397940-T-TTA.
Other names: c.1399_1400insTA, p.Ser467fs (NM_001254734.2); short protein forms S467fs.
Identifiers: ClinVar variation 2631764 (VCV002631764.1), dbSNP rs772182096, ClinGen allele CA9732094.